The following is an entry in ClinVar:

ClinVar aggregate classification (germline): Uncertain significance (1 of 4 stars; one submission).

gnomAD v4.1: 4 of 1,614,040 alleles (0.00025%); highest among the groups gnomAD compares: Non-Finnish European, 0.00034%; no homozygotes.

Submission:

GeneDx
Classification: Uncertain significance. Last evaluated: 2024-02-07. Review status: criteria provided, single submitter. Criteria: GeneDx Variant Classification Process June 2021. Collection method: clinical testing. Allele origin: germline. Affected: yes.
Comment: Not observed at significant frequency in large population cohorts (gnomAD); In silico analysis supports that this missense variant does not alter protein structure/function; Has not been previously published as pathogenic or benign to our knowledge

NM_001079843.3(CASZ1):c.1271C>T (p.Thr424Ile)

Gene: CASZ1 (castor zinc finger 1; minus strand). Cytogenetic location: 1p36.22.
Variant type: single nucleotide variant.
Coding change: c.1271C>T on transcript NM_001079843.3 (MANE Select); coding-DNA position 1271, C replaced by T.
Protein change: p.Thr424Ile; replaces threonine 424 with isoleucine.
Molecular consequence: missense variant.
Genome position (GRCh38, 1-based): chr1:10,659,771, G>A on the plus strand (C>T on the coding strand, the complement: CASZ1 is on the minus strand). VCF-style: chr1-10659771-G-A. GRCh37 (hg19) VCF-style: chr1-10719828-G-A.
Other names: c.1271C>T, p.Thr424Ile (NM_017766.5); short protein forms T424I.
Identifiers: ClinVar variation 3368838 (VCV003368838.1).